The following is an entry in ClinVar:

NM_000059.4(BRCA2):c.4321G>T (p.Glu1441Ter)

Gene: BRCA2 (BRCA2 DNA repair associated; plus strand). Cytogenetic location: 13q13.1.
Variant type: single nucleotide variant.
Coding change: c.4321G>T on transcript NM_000059.4 (MANE Select); coding-DNA position 4321, G replaced by T.
Protein change: p.Glu1441Ter; replaces glutamic acid 1441 with a stop codon.
Molecular consequence: nonsense.
Genome position (GRCh38, 1-based): chr13:32,338,676, G>T. VCF-style: chr13-32338676-G-T. GRCh37 (hg19) VCF-style: chr13-32912813-G-T.
Other names: short protein forms E1441*.
Identifiers: ClinVar variation 987842 (VCV000987842.4), dbSNP rs876659758, ClinGen allele CA387780821.

ClinVar aggregate classification (germline): Pathogenic/Likely pathogenic. Review status: criteria provided, multiple submitters, no conflicts (2 of 4 stars). 4 submissions from 4 submitters: Pathogenic (1); Likely pathogenic (2). 1 of the submissions does not count toward it. Last evaluated 2025-09-12.

Conditions:
Inherited breast cancer and ovarian cancer.
Hereditary breast ovarian cancer syndrome. Also called: Hereditary breast and ovarian cancer syndrome; Hereditary breast and ovarian cancer syndrome (HBOC); Breast and ovarian cancer; Hereditary breast and/or ovarian cancer syndrome; Hereditary breast and ovarian cancer; BRCA1- and BRCA2-Associated Hereditary Breast and Ovarian Cancer. Identifiers: Orphanet 145, MedGen C0677776, MeSH D061325, MONDO:0003582. Disease mechanism: loss of function.
Familial cancer of breast. Also called: BREAST CANCER, FAMILIAL; Hereditary breast cancer; hereditary breast carcinoma. Identifiers: Orphanet 227535, MedGen C0346153, MONDO:0016419, OMIM 114480. Disease mechanism: loss of function.

Submissions (4):

Genetics Laboratory, Great Ormond Street Hospital NHS Foundation Trust, North Thames Genomic Laboratory Hub
Classification: Pathogenic for Inherited breast cancer and ovarian cancer. Last evaluated: 2025-09-12. Review status: criteria provided, single submitter. Criteria: CanVIG BRCA Gene Specific V1.22. Collection method: clinical testing. Allele origin: germline. Affected: yes.
Comment: PM2_moderate, PVS1_very-strong, PM5_strong

Baylor Genetics
Classification: Likely pathogenic for Familial cancer of breast. Last evaluated: 2022-06-26. Review status: criteria provided, single submitter. Criteria: ACMG Guidelines, 2015. Collection method: clinical testing. Allele origin: unknown.

Women's Health and Genetics/Laboratory Corporation of America, LabCorp
Classification: Likely pathogenic for Hereditary breast and ovarian cancer syndrome. Last evaluated: 2020-11-27. Review status: criteria provided, single submitter. Criteria: LabCorp Variant Classification Summary - May 2015. Collection method: clinical testing. Allele origin: germline.
Comment: Variant summary: BRCA2 c.4321G>T (p.Glu1441X) results in a premature termination codon, predicted to cause a truncation of the encoded protein or absence of the protein due to nonsense mediated decay, which are commonly known mechanisms for disease. Truncations downstream of this position have been classified as pathogenic by our laboratory. The variant was absent in 242678 control chromosomes. To our knowledge, no occurrence of c.4321G>T in individuals affected with Hereditary Breast And Ovarian Cancer Syndrome and no experimental evidence demonstrating its impact on protein function have been reported. No clinical diagnostic laboratories have submitted clinical-significance assessments for this variant to ClinVar after 2014. Based on the evidence outlined above, the variant was classified as likely pathogenic.

Department of Pathology and Laboratory Medicine, Sinai Health System
Classification: Pathogenic. Review status: no assertion criteria provided. Collection method: clinical testing. Allele origin: unknown. Affected: yes. Study: The Canadian Open Genetics Repository (COGR). Not counted in ClinVar's aggregate classification.
Comment: The BRCA2 p.Glu1441* variant was not identified in the literature nor was it identified in the dbSNP, ClinVar, LOVD 3.0, or UMD-LSDB, databases. The variant was only identified in Cosmic database (1x in endometrium tissue). The variant was not identified in the following control databases: the Exome Aggregation Consortium (August 8th 2016), or the Genome Aggregation Database (Feb 27, 2017). The p.Glu1441* variant leads to a premature stop codon at position 1441, which is predicted to lead to a truncated or absent protein and loss of function. Loss of function variants of the BRCA2 gene are an established mechanism of disease in hereditary breast and ovarian cancer and is the type of variant expected to cause the disorder. In summary, based on the above information, this variant meets our laboratoryâ€šÃ„Ã´s criteria to be classified as pathogenic.